The following is an entry in ClinVar:

NM_000059.4(BRCA2):c.10043A>G (p.Asn3348Ser)

Gene: BRCA2 (BRCA2 DNA repair associated; plus strand). Cytogenetic location: 13q13.1.
Variant type: single nucleotide variant.
Coding change: c.10043A>G on transcript NM_000059.4 (MANE Select); coding-DNA position 10043, A replaced by G.
Protein change: p.Asn3348Ser; replaces asparagine 3348 with serine.
Molecular consequence: missense variant.
Genome position (GRCh38, 1-based): chr13:32,398,556, A>G. VCF-style: chr13-32398556-A-G. GRCh37 (hg19) VCF-style: chr13-32972693-A-G.
Other names: short protein forms N3348S.
Identifiers: ClinVar variation 216238 (VCV000216238.10), dbSNP rs761094613, ClinGen allele CA336150.

ClinVar aggregate classification (germline): Conflicting classifications of pathogenicity. Review status: criteria provided, conflicting classifications (1 of 4 stars). 2 submissions from 2 submitters: Uncertain significance (1); Likely benign (1). Last evaluated 2025-10-08.

Conditions:
Hereditary cancer-predisposing syndrome. Also called: Hereditary Cancer Syndrome; Hereditary neoplastic syndrome; Neoplastic Syndromes, Hereditary; Tumor predisposition. Identifiers: Orphanet 140162, MedGen C0027672, MeSH D009386, MONDO:0015356.
Hereditary breast ovarian cancer syndrome. Also called: Hereditary breast and/or ovarian cancer syndrome; Breast and ovarian cancer; BRCA1- and BRCA2-Associated Hereditary Breast and Ovarian Cancer; Hereditary breast and ovarian cancer syndrome; Hereditary breast and ovarian cancer syndrome (HBOC); Hereditary breast and ovarian cancer. Identifiers: Orphanet 145, MedGen C0677776, MeSH D061325, MONDO:0003582. Disease mechanism: loss of function.

Allele frequency attached by ClinVar (database versions not stated): gnomAD exomes below 0.00001 and 0.00001; ExAC 0.00001.
gnomAD v4.1: 2 of 1,614,194 alleles (0.00012%); highest among the groups gnomAD compares: East Asian, 0.0045%; no homozygotes.

Submissions (2):

Ambry Genetics
Classification: Likely benign for Hereditary cancer-predisposing syndrome. Last evaluated: 2025-10-08. Review status: criteria provided, single submitter. Criteria: Ambry Variant Classification Scheme 2023. Collection method: clinical testing. Allele origin: germline.

Labcorp Genetics (formerly Invitae), Labcorp
Classification: Uncertain significance for Hereditary breast ovarian cancer syndrome. Last evaluated: 2022-09-22. Review status: criteria provided, single submitter. Criteria: Invitae Variant Classification Sherloc (09022015). Collection method: clinical testing. Allele origin: germline.
Comment: In summary, the available evidence is currently insufficient to determine the role of this variant in disease. Therefore, it has been classified as a Variant of Uncertain Significance. This sequence change replaces asparagine, which is neutral and polar, with serine, which is neutral and polar, at codon 3348 of the BRCA2 protein (p.Asn3348Ser). This variant is present in population databases (rs761094613, gnomAD 0.01%). This missense change has been observed in individual(s) with BRCA2-related conditions (PMID: 30093976). ClinVar contains an entry for this variant (Variation ID: 216238). Advanced modeling of protein sequence and biophysical properties (such as structural, functional, and spatial information, amino acid conservation, physicochemical variation, residue mobility, and thermodynamic stability) performed at Invitae indicates that this missense variant is not expected to disrupt BRCA2 protein function.

Literature cited by the submitters: PubMed 30093976 (cited by Labcorp Genetics (formerly Invitae), Labcorp).